The following is an entry in ClinVar:

NM_015213.4(DENND5A):c.1550G>A (p.Arg517Gln)

Gene: DENND5A (DENN domain containing 5A; minus strand). Cytogenetic location: 11p15.4.
Variant type: single nucleotide variant.
Coding change: c.1550G>A on transcript NM_015213.4 (MANE Select); coding-DNA position 1550, G replaced by A.
Protein change: p.Arg517Gln; replaces arginine 517 with glutamine.
Molecular consequence: missense variant. On other transcripts: non-coding transcript variant (1).
Genome position (GRCh38, 1-based): chr11:9,178,979, C>T on the plus strand (G>A on the coding strand, the complement: DENND5A is on the minus strand). VCF-style: chr11-9178979-C-T. GRCh37 (hg19) VCF-style: chr11-9200526-C-T.
Other names: c.1550G>A, p.Arg517Gln (NM_001243254.2, NM_001348748.1); c.1478G>A, p.Arg493Gln (NM_001348749.2); c.1262G>A, p.Arg421Gln (NM_001348750.2); short protein forms R421Q, R493Q, R517Q.
Identifiers: ClinVar variation 2440734 (VCV002440734.4), dbSNP rs1564899063, ClinGen allele CA379615711.
Genomic context (GRCh38, chr11:9,178,979, plus strand): 5'-TGGATGACAAACACCTCATAATCTGCAAACATCTGAGTGAAACGATTTGCAAAAACTTCC[C>T]GGATCTGAATGTTTAGCTGGTAAATCCTGAGTTCTTCTTCATCACACTGAACTTTGAGAT-3'
Protein context (NP_056028.2, residues 507-527): LRIYQLNIQI[Arg517Gln]EVFANRFTQM

ClinVar aggregate classification (germline): Uncertain significance. Review status: criteria provided, multiple submitters, no conflicts (2 of 4 stars). 2 submissions from 2 submitters: Uncertain significance (2). Last evaluated 2025-02-06.

Conditions:
Developmental and epileptic encephalopathy, 49 (DEE49). Also called: Epileptic encephalopathy, early infantile, 49. Identifiers: MedGen C4310635, MONDO:0015002, OMIM 617281.

Allele frequency attached by ClinVar (database versions not stated): gnomAD exomes below 0.00001.
gnomAD v4.1: 7 of 1,614,098 alleles (0.00043%); highest among the groups gnomAD compares: Non-Finnish European, 0.00059%; no homozygotes.

Submissions (2):

Labcorp Genetics (formerly Invitae), Labcorp
Classification: Uncertain significance. Last evaluated: 2025-02-06. Review status: criteria provided, single submitter. Criteria: Invitae Variant Classification Sherloc (09022015). Collection method: clinical testing. Allele origin: germline.
Comment: This sequence change replaces arginine, which is basic and polar, with glutamine, which is neutral and polar, at codon 517 of the DENND5A protein (p.Arg517Gln). This variant is not present in population databases (gnomAD no frequency). This variant has not been reported in the literature in individuals affected with DENND5A-related conditions. ClinVar contains an entry for this variant (Variation ID: 2440734). Invitae Evidence Modeling of protein sequence and biophysical properties (such as structural, functional, and spatial information, amino acid conservation, physicochemical variation, residue mobility, and thermodynamic stability) indicates that this missense variant is expected to disrupt DENND5A protein function with a positive predictive value of 80%. In summary, the available evidence is currently insufficient to determine the role of this variant in disease. Therefore, it has been classified as a Variant of Uncertain Significance.

Revvity Omics, Revvity
Classification: Uncertain significance for Developmental and epileptic encephalopathy, 49. Last evaluated: 2019-03-05. Review status: criteria provided, single submitter. Criteria: ACMG Guidelines, 2015. Collection method: clinical testing. Allele origin: germline.